The following is an entry in ClinVar:

ClinVar aggregate classification (germline): Pathogenic. Review status: reviewed by expert panel (3 of 4 stars). 7 submissions from 7 submitters: Pathogenic (1). 6 of the submissions do not count toward it. Last evaluated 2025-07-29.

Conditions:
Autosomal recessive limb-girdle muscular dystrophy type 2B (LGMDR2). Also called: Limb-Girdle Muscular Dystrophy Type 2B (LGMD2B); Limb-girdle muscular dystrophy, type 2B; MUSCULAR DYSTROPHY, LIMB-GIRDLE, TYPE 3; MUSCULAR DYSTROPHY, LIMB-GIRDLE, AUTOSOMAL RECESSIVE 2. Identifiers: Orphanet 268, MedGen C1850889, MONDO:0009676, OMIM 253601.
Neuromuscular disease caused by qualitative or quantitative defects of dysferlin. Also called: Dysferlinopathy; Qualitative or quantitative defects of dysferlin. Identifiers: Orphanet 207073, MedGen C2931687, MONDO:0016145.
Autosomal recessive limb-girdle muscular dystrophy. Identifiers: Orphanet 102015, MedGen C2931907, MONDO:0015152.

Submissions (7):

ClinGen Limb Girdle Muscular Dystrophy Variant Curation Expert Panel, ClinGen
Classification: Pathogenic for Autosomal recessive limb-girdle muscular dystrophy. Last evaluated: 2025-07-29. Review status: reviewed by expert panel. Criteria: ClinGen LGMD VCEP ACMG Specifications DYSF V1.0.0. Collection method: curation. Allele origin: germline. Inheritance: Autosomal recessive inheritance.
Comment: The NM_003494.4: c.206T>G variant in DYSF, which is also known as NM_001130987.2: c.209T>G p.(Val70Gly), is a missense variant predicted to cause substitution of valine to glycine at amino acid 69, p.(Val69Gly). This variant has been reported in at least four patients with suspected LGMD (PMID: 33250842, 35723113, 39925440), including in a homozygous state in two individuals without known familial consanguinity (1 pt; PMID: 33250842, 35723113) and in unknown phase with a pathogenic variant in one individual (NM_003494.4: c.5668-824C>T, 0.5 pts, PMID: 39925440) (PM3). At least one of the patients with a second presumed diagnostic DYSF variant displayed progressive muscle weakness and absent dysferlin expression in muscle biopsy, which is highly specific for DYSF-related LGMD (PMID: 33250842) (PP4_Strong). This variant is absent from gnomAD v4.1.0 (PM2_Supporting). Immunofluorescence and 2-A assays of dysferlin membrane localization in HEK293T cells showed the Val69Gly protein did not reach the cell membrane, indicating an impact on protein function (PMID: 35028538) (PS3_Moderate). In addition, the computational predictor REVEL gives a score of 0.83, which is above the LGMD VCEP threshold of ≥0.70, evidence that correlates with impact to DYSF function (PP3). In summary, this variant meets the criteria to be classified as Pathogenic for autosomal recessive limb girdle muscular dystrophy based on the ACMG/AMP criteria applied, as specified by the ClinGen LGMD VCEP (LGMD VCEP specifications version 1.0.0; 07/29/2025): PM3, PP4_Strong, PM2_Supporting, PS3_Moderate, PP3.

Myriad Genetics, Inc.
Classification: Likely pathogenic for Autosomal recessive limb-girdle muscular dystrophy. Last evaluated: 2025-12-01. Review status: criteria provided, single submitter. Criteria: Myriad Autosomal Dominant, Autosomal Recessive and X-Linked Classification Criteria (2023). Collection method: clinical testing. Allele origin: unknown. Not counted in ClinVar's aggregate classification.
Comment: NM_003494.3(DYSF):c.206T>G(V69G) is a missense variant classified as likely pathogenic in the context of dysferlinopathy. V69G has been observed in cases with relevant disease (PMID: 30564623, 33250842, 39925440). Relevant functional assessments of this variant are available in the literature (PMID: 35028538). V69G has not been observed in referenced population frequency databases. In summary, NM_003494.3(DYSF):c.206T>G(V69G) is a missense variant that has functional support for pathogenicity and has been observed more frequently in cases with the relevant disease than in healthy populations. Please note: this variant was assessed in the context of healthy population screening.

Revvity Omics, Revvity
Classification: Uncertain significance. Last evaluated: 2024-10-07. Review status: criteria provided, single submitter. Criteria: ACMG Guidelines, 2015. Collection method: clinical testing. Allele origin: germline. Not counted in ClinVar's aggregate classification.

Labcorp Genetics (formerly Invitae), Labcorp
Classification: Likely pathogenic for Neuromuscular disease caused by qualitative or quantitative defects of dysferlin. Last evaluated: 2022-12-23. Review status: criteria provided, single submitter. Criteria: Invitae Variant Classification Sherloc (09022015). Collection method: clinical testing. Allele origin: germline. Not counted in ClinVar's aggregate classification.
Comment: This variant is not present in population databases (gnomAD no frequency). This sequence change replaces valine, which is neutral and non-polar, with glycine, which is neutral and non-polar, at codon 69 of the DYSF protein (p.Val69Gly). This missense change has been observed in individual(s) with DYSF-related conditions (PMID: 33250842). In summary, the currently available evidence indicates that the variant is pathogenic, but additional data are needed to prove that conclusively. Therefore, this variant has been classified as Likely Pathogenic. Advanced modeling of protein sequence and biophysical properties (such as structural, functional, and spatial information, amino acid conservation, physicochemical variation, residue mobility, and thermodynamic stability) performed at Invitae indicates that this missense variant is expected to disrupt DYSF protein function. ClinVar contains an entry for this variant (Variation ID: 284469).

Eurofins Ntd Llc (ga)
Classification: Likely pathogenic. Last evaluated: 2015-10-28. Review status: criteria provided, single submitter. Criteria: EGL Classification Definitions 2015. Collection method: clinical testing. Allele origin: germline. Observed: 1 variant allele, 1 homozygote. Not counted in ClinVar's aggregate classification.

Kasturba Medical College, Manipal, Kasturba Medical College, Manipal, Manipal Academy of Higher Education, Manipal, India
Classification: Likely pathogenic for Autosomal recessive limb-girdle muscular dystrophy type 2B. Review status: criteria provided, single submitter. Criteria: ACMG Guidelines, 2015. Collection method: research. Allele origin: biparental. Inheritance: Autosomal recessive inheritance. Affected: yes. Observed: 1 homozygote. Not counted in ClinVar's aggregate classification.
Comment: A known missense variant, c.206T>G in exon 3 of DYSF was observed in a homozygous state in proband (Chakravorty et al., 2020). This variant is absent in homozygous and/or heterozygous state in gnomAD (v4.1.0) population database. This variant is present in one individual in heterozygous state and in one similarly affected individual in homozygous state in our in-house data of 3673 exomes. In-silico analysis tools (REVEL, CADD_phred) predict the variant to be disease-causing and likely to affect the DYSF protein function.

Counsyl
Classification: Uncertain significance for Autosomal recessive limb-girdle muscular dystrophy type 2B. Last evaluated: 2017-06-09. Review status: no assertion criteria provided. Collection method: clinical testing. Allele origin: unknown. Not counted in ClinVar's aggregate classification.

Literature cited by the submitters: PubMed 30564623 (cited by Myriad Genetics, Inc.); PubMed 33250842 (cited by 3 submitters); PubMed 35028538 (cited by Myriad Genetics, Inc.); PubMed 39925440 (cited by Myriad Genetics, Inc.).

NM_001130987.2(DYSF):c.209T>G (p.Val70Gly)

Gene: DYSF (dysferlin; plus strand). Cytogenetic location: 2p13.2.
Variant type: single nucleotide variant.
Coding change: c.209T>G on transcript NM_001130987.2 (MANE Select); coding-DNA position 209, T replaced by G.
Protein change: p.Val70Gly; replaces valine 70 with glycine.
Molecular consequence: missense variant.
Genome position (GRCh38, 1-based): chr2:71,481,940, T>G. VCF-style: chr2-71481940-T-G. GRCh37 (hg19) VCF-style: chr2-71709070-T-G.
Other names: NM_001130987.2(DYSF):c.209T>G; p.Val70Gly; c.209T>G, p.Val70Gly (NM_001130455.2, NM_001130982.2, NM_001130983.2 and 3 more transcripts); c.206T>G, p.Val69Gly (NM_001130976.2, NM_001130977.2, NM_001130978.2 and 4 more transcripts); short protein forms V69G, V70G.
Identifiers: ClinVar variation 284469 (VCV000284469.15), dbSNP rs886042878, ClinGen allele CA10604804.